The following is an entry in ClinVar:

NM_015073.3(SIPA1L3):c.4461T>C (p.Phe1487=)

Gene: SIPA1L3 (signal induced proliferation associated 1 like 3; plus strand). Cytogenetic location: 19q13.13.
Variant type: single nucleotide variant.
Coding change: c.4461T>C on transcript NM_015073.3 (MANE Select); coding-DNA position 4461, T replaced by C.
Protein change: p.Phe1487=; no amino-acid change (phenylalanine 1487 retained).
Molecular consequence: synonymous variant.
Genome position (GRCh38, 1-based): chr19:38,192,175, T>C. VCF-style: chr19-38192175-T-C. GRCh37 (hg19) VCF-style: chr19-38682815-T-C.
Other names: c.4461T>C (NM_015073.2).
Identifiers: ClinVar variation 1176708 (VCV001176708.36), dbSNP rs201920570, ClinGen allele CA9410361.

ClinVar aggregate classification (germline): Likely benign. Review status: criteria provided, multiple submitters, no conflicts (2 of 4 stars). 2 submissions from 2 submitters: Likely benign (2). Last evaluated 2024-12-23.

Conditions:
SIPA1L3-related disorder. Also called: SIPA1L3-related condition.

Allele frequency attached by ClinVar (database versions not stated): ESP Exome Variant Server 0.00015; 1000 Genomes Project 30x 0.00016; 1000 Genomes Project 0.00020; TOPMed 0.00029; gnomAD 0.00030; gnomAD exomes 0.00050; ExAC 0.00062.
gnomAD v4.1: 907 of 1,611,196 alleles (0.056%); highest among the groups gnomAD compares: Non-Finnish European, 0.069%; 1 homozygote.

Submissions (2):

PreventionGenetics, part of Exact Sciences
Classification: Likely benign for SIPA1L3-related condition. Last evaluated: 2024-12-23. Review status: criteria provided, single submitter. Criteria: ACMG Guidelines, 2015. Collection method: clinical testing. Allele origin: germline.
Comment: This variant is classified as likely benign based on ACMG/AMP sequence variant interpretation guidelines (Richards et al. 2015 PMID: 25741868, with internal and published modifications).

CeGaT Center for Human Genetics Tuebingen
Classification: Likely benign. Last evaluated: 2023-09-01. Review status: criteria provided, single submitter. Criteria: CeGaT Center For Human Genetics Tuebingen Variant Classification Criteria Version 2. Collection method: clinical testing. Allele origin: germline. Affected: yes. Observed: 3 variant alleles.
Comment: SIPA1L3: BP4, BP7